The following is an entry in ClinVar:

ClinVar aggregate classification (germline): Uncertain significance (1 of 4 stars; one submission).

Submission:

Labcorp Genetics (formerly Invitae), Labcorp
Classification: Uncertain significance. Last evaluated: 2025-11-19. Review status: criteria provided, single submitter. Criteria: Invitae Variant Classification Sherloc (09022015). Collection method: clinical testing. Allele origin: germline.
Comment: This sequence change falls in intron 1 of the ATP6AP1 gene. It does not directly change the encoded amino acid sequence of the ATP6AP1 protein. This variant is not present in population databases (gnomAD no frequency). This variant has not been reported in the literature in individuals affected with ATP6AP1-related conditions. Experimental studies and prediction algorithms are not available or were not evaluated, and the functional significance of this variant is currently unknown. In summary, the available evidence is currently insufficient to determine the role of this variant in disease. Therefore, it has been classified as a Variant of Uncertain Significance.

NM_001183.6(ATP6AP1):c.161+8_161+47del

Gene: ATP6AP1 (ATPase H+ transporting accessory protein 1; plus strand). Cytogenetic location: Xq28.
Variant type: Deletion.
Coding change: c.161+8_161+47del on transcript NM_001183.6 (MANE Select); bases 8 to 47 of the intron after coding-DNA position 161, 40 bases deleted.
Molecular consequence: intron variant.
Genome position (GRCh38, 1-based): chrX:154,428,861-154,428,900, 40 bases deleted; deleting any 40 consecutive bases within chrX:154,428,859-154,428,900 gives the same sequence; the c. name uses the placement nearest the transcript's 3' end. GRCh37 (hg19): chrX:153,657,207-153,657,246.
Identifiers: ClinVar variation 4730633 (VCV004730633.1).